The following is an entry in ClinVar:

NM_000271.5(NPC1):c.1298C>T (p.Pro433Leu)

Gene: NPC1 (NPC intracellular cholesterol transporter 1; minus strand). Cytogenetic location: 18q11.2.
Variant type: single nucleotide variant.
Coding change: c.1298C>T on transcript NM_000271.5 (MANE Select); coding-DNA position 1298, C replaced by T.
Protein change: p.Pro433Leu; replaces proline 433 with leucine.
Molecular consequence: missense variant.
Genome position (GRCh38, 1-based): chr18:23,556,271, G>A on the plus strand (C>T on the coding strand, the complement: NPC1 is on the minus strand). VCF-style: chr18-23556271-G-A. GRCh37 (hg19) VCF-style: chr18-21136235-G-A.
Other names: short protein forms P433L.
Identifiers: ClinVar variation 419321 (VCV000419321.5), dbSNP rs1064793791, ClinGen allele CA16620669.
Genomic context (GRCh38, chr18:23,556,271, plus strand): 5'-AGAGTGACTTATTTCTTCAAACAGCAGGTTACCTGGTGCAGTATCTGTATGTCAAGCGGA[G>A]GTCCAAAGGGTACATCAGCTCCCGAAGGGTATGGCTGGTAAATGTGTTTGTCAGTGAGAG-3'
Protein context (NP_000262.2, residues 423-443): YPSGADVPFG[Pro433Leu]PLDIQILHQV

ClinVar aggregate classification (germline): Conflicting classifications of pathogenicity. Review status: criteria provided, conflicting classifications (1 of 4 stars). 4 submissions from 4 submitters: Pathogenic (1); Likely pathogenic (1); Uncertain significance (2). Last evaluated 2024-04-03.

Conditions:
Niemann-Pick disease, type C1. Also called: NEUROVISCERAL STORAGE DISEASE WITH VERTICAL SUPRANUCLEAR OPHTHALMOPLEGIA; NIEMANN-PICK DISEASE WITH CHOLESTEROL ESTERIFICATION BLOCK; NIEMANN-PICK DISEASE WITHOUT SPHINGOMYELINASE DEFICIENCY; NIEMANN-PICK DISEASE, CHRONIC NEURONOPATHIC FORM; NIEMANN-PICK DISEASE, VARIANT TYPE C1. Identifiers: Orphanet 646, MedGen C3179455, MONDO:0009757, OMIM 257220.

Allele frequency attached by ClinVar (database versions not stated): gnomAD exomes 0.00001.
gnomAD v4.1: 15 of 1,614,130 alleles (0.00093%); highest among the groups gnomAD compares: Non-Finnish European, 0.0013%; no homozygotes.

Submissions (4):

Natera, Inc.
Classification: Likely pathogenic for Niemann-Pick disease type C1. Last evaluated: 2024-04-03. Review status: criteria provided, single submitter. Criteria: Natera Variant Classification Schema (03/2026). Collection method: clinical testing. Allele origin: germline.
Comment: The c.1298C>T variant in NPC1 is a missense variant predicted to cause substitution of proline to leucine at amino acid 433. This variant is rare in the general population with a frequency below the threshold expected for the associated phenotype(s). This variant has been observed in one or more individuals affected with the associated recessive disease, as either homozygous or compound heterozygous with a second variant (PMID: 32709131). Computational prediction algorithms indicate this variant is likely to affect gene or protein function. Given the available evidence, this variant is classified as Likely Pathogenic.

Blueprint Genetics
Classification: Uncertain significance. Last evaluated: 2020-08-26. Review status: criteria provided, single submitter. Criteria: ACMG Guidelines, 2015. Collection method: clinical testing. Allele origin: germline.

Victorian Clinical Genetics Services, Murdoch Childrens Research Institute
Classification: Uncertain significance for Niemann-Pick disease, type C1. Last evaluated: 2019-08-28. Review status: criteria provided, single submitter. Criteria: ACMG Guidelines, 2015. Collection method: clinical testing. Allele origin: germline. Inheritance: Autosomal recessive inheritance.
Comment: A heterozygous missense variant was identified, NM_000271.4(NPC1):c.1298C>T in exon 8 of 25 of the NPC1 gene. This substitution is predicted to create a moderate amino acid change from proline to leucine at position 433 of the protein, NP_000262.2(NPC1):p.(Pro433Leu). The proline at this position has high conservation (100 vertebrates, UCSC), but is not situated in a domain. In silico software predicts this variant to be disease causing (Polyphen, SIFT, CADD, Mutation Taster). The variant is not present in the gnomAD population database, and has previously been reported in association with Niemann-Pick disease Type C (ClinVar, Park W. et al. (2003)). Based on information available at the time of curation, this variant has been classified as a VARIANT of UNCERTAIN SIGNIFICANCE (VUS) with POTENTIAL CLINICAL RELEVANCE.

GeneDx
Classification: Pathogenic. Last evaluated: 2015-06-22. Review status: criteria provided, single submitter. Criteria: GeneDx Variant Classification (06012015). Collection method: clinical testing. Allele origin: germline. Affected: yes.
Comment: The P433L variant in the NPC1 gene has been reported previously in association with Niemann-PickDisease Type C (Park et al., 2003). The P433L substitution was not observed in approximately 6500individuals of European and African American ancestry in the NHLBI Exome Sequencing Project,indicating it is not a common benign variant in these populations. The P433L variant is a semi-conservativeamino acid substitution, which may impact secondary protein structure as these residues differ in someproperties. This substitution occurs at a position that is conserved in mammals. A missense variant in anearby residue (P434L) has been reported in the Human Gene Mutation Database in association withNiemann-Pick Disease Type C (Stenson et al., 2014), supporting the functional importance of this region ofthe protein. We interpret P433L as a pathogenic variant.

Literature cited by the submitters: PubMed 32709131 (cited by Natera, Inc.).